The following is an entry in ClinVar:

ClinVar aggregate classification (germline): Likely benign (1 of 4 stars; one submission).

gnomAD v4.1: 11 of 1,613,896 alleles (0.00068%); highest among the groups gnomAD compares: East Asian, 0.0089%; no homozygotes.

Submission:

CeGaT Center for Human Genetics Tuebingen
Classification: Likely benign. Last evaluated: 2024-10-01. Review status: criteria provided, single submitter. Criteria: CeGaT Center For Human Genetics Tuebingen Variant Classification Criteria Version 2. Collection method: clinical testing. Allele origin: germline. Affected: yes. Observed: 1 variant allele.
Comment: MADD: BP4, BP7

NM_001376571.1(MADD):c.2727G>A (p.Ala909=)

Gene: MADD (MAP kinase activating death domain; plus strand). Cytogenetic location: 11p11.2.
Variant type: single nucleotide variant.
Coding change: c.2727G>A on transcript NM_001376571.1 (MANE Select); coding-DNA position 2727, G replaced by A.
Protein change: p.Ala909=; no amino-acid change (alanine 909 retained).
Molecular consequence: synonymous variant. On other transcripts: non-coding transcript variant (7), intron variant (1).
Genome position (GRCh38, 1-based): chr11:47,289,404, G>A. VCF-style: chr11-47289404-G-A. GRCh37 (hg19) VCF-style: chr11-47310955-G-A.
Other names: c.2538G>A, p.Ala846= (NM_001135943.2, NM_001135944.2, NM_001376585.1 and 20 more transcripts); c.2727G>A, p.Ala909= (NM_001376572.1, NM_001376573.1, NM_001376574.1 and 11 more transcripts); c.2667G>A, p.Ala889= (NM_001376575.1, NM_001376576.1, NM_001376577.1 and 13 more transcripts); c.2640G>A, p.Ala880= (NM_001376578.1, NM_001376631.1); c.2598G>A, p.Ala866= (NM_001376581.1, NM_001376582.1, NM_001376586.1 and 15 more transcripts); c.2565G>A, p.Ala855= (NM_001376583.1, NM_001376611.1, NM_001376613.1 and 1 more transcripts); c.2574G>A, p.Ala858= (NM_001376602.1); c.2463G>A, p.Ala821= (NM_001376620.1, NM_001376657.1); and 8 more.
Identifiers: ClinVar variation 3389262 (VCV003389262.14).